The following is an entry in ClinVar:

ClinVar aggregate classification (germline): Uncertain significance (1 of 4 stars; one submission).

Submission:

Labcorp Genetics (formerly Invitae), Labcorp
Classification: Uncertain significance. Last evaluated: 2025-11-10. Review status: criteria provided, single submitter. Criteria: Invitae Variant Classification Sherloc (09022015). Collection method: clinical testing. Allele origin: germline.
Comment: This sequence change replaces phenylalanine, which is neutral and non-polar, with tyrosine, which is neutral and polar, at codon 930 of the KIAA0753 protein (p.Phe930Tyr). This variant is not present in population databases (gnomAD no frequency). This variant has not been reported in the literature in individuals affected with KIAA0753-related conditions. ClinVar contains an entry for this variant (Variation ID: 1934478). An algorithm developed to predict the effect of missense changes on protein structure and function (PolyPhen-2) suggests that this variant is likely to be disruptive. In summary, the available evidence is currently insufficient to determine the role of this variant in disease. Therefore, it has been classified as a Variant of Uncertain Significance.

NM_014804.3(KIAA0753):c.2789T>A (p.Phe930Tyr)

Gene: KIAA0753 (KIAA0753; minus strand). Cytogenetic location: 17p13.1.
Variant type: single nucleotide variant.
Coding change: c.2789T>A on transcript NM_014804.3 (MANE Select); coding-DNA position 2789, T replaced by A.
Protein change: p.Phe930Tyr; replaces phenylalanine 930 with tyrosine.
Molecular consequence: missense variant. On other transcripts: non-coding transcript variant (3).
Genome position (GRCh38, 1-based): chr17:6,579,862, A>T on the plus strand (T>A on the coding strand, the complement: KIAA0753 is on the minus strand). VCF-style: chr17-6579862-A-T. GRCh37 (hg19) VCF-style: chr17-6483182-A-T.
Other names: c.1892T>A, p.Phe631Tyr (NM_001351225.2); short protein forms F930Y, F631Y.
Identifiers: ClinVar variation 1934478 (VCV001934478.4), dbSNP rs2544208337, ClinGen allele CA397408209.
Genomic context (GRCh38, chr17:6,579,862, plus strand): 5'-CACATATCCTGAAGTTCAGCAGCCACAGCACCCAGAGCTTCATCTACCAGCTCTTCTGAA[A>T]AGCTGGAAGACAAACAACACAACTAAAGGTATGTACAAGGCCAGGCGCGGTGGCTCACAC-3'
Protein context (NP_055619.2, residues 920-940): SFNPWLIAES[Phe930Tyr]SEELVDEALG